The following is an entry in ClinVar:

ClinVar aggregate classification (germline): Benign/Likely benign. Review status: criteria provided, multiple submitters, no conflicts (2 of 4 stars). 11 submissions from 11 submitters: Benign (8); Likely benign (3). Last evaluated 2026-08-01.

Conditions:
Muscular dystrophy-dystroglycanopathy (congenital with impaired intellectual development), type B, 1. Also called: MUSCULAR DYSTROPHY, CONGENITAL, POMT1-RELATED; Muscular dystrophy-dystroglycanopathy (congenital with intellectual disability), type B1. Identifiers: MedGen C5436962, MONDO:0013159, OMIM 613155.
Autosomal recessive limb-girdle muscular dystrophy type 2K. Also called: MUSCULAR DYSTROPHY, LIMB-GIRDLE, TYPE 2K; MUSCULAR DYSTROPHY-DYSTROGLYCANOPATHY (LIMB-GIRDLE), TYPE C, 1. Identifiers: Orphanet 86812, MedGen C1836373, MONDO:0012248, OMIM 609308.
Walker-Warburg congenital muscular dystrophy. Also called: Muscular dystrophy-dystroglycanopathy, type A; Walker-Warburg syndrome. Identifiers: Orphanet 899, MedGen C0265221, MONDO:0000171.

Allele frequency attached by ClinVar (database versions not stated): 1000 Genomes Project 0.00280; 1000 Genomes Project 30x 0.00297; gnomAD 0.00736 and 0.00816; TOPMed 0.00773; ESP Exome Variant Server 0.01053.
gnomAD v4.1: 17,628 of 1,613,792 alleles (1.1%); highest among the groups gnomAD compares: Non-Finnish European, 1.4%; 147 homozygotes.

Submissions 1 to 26 of 50:

CeGaT Center for Human Genetics Tuebingen
Classification: Benign. Last evaluated: 2026-08-01. Review status: criteria provided, single submitter. Criteria: CeGaT Center For Human Genetics Tuebingen Variant Classification Criteria Version 2. Collection method: clinical testing. Allele origin: germline. Affected: yes. Observed: 43 variant alleles.
Comment: POMT1: BP4, BS1, BS2

Mayo Clinic Laboratories, Mayo Clinic
Classification: Benign. Last evaluated: 2025-10-09. Review status: criteria provided, single submitter. Criteria: ACMG Guidelines, 2015. Collection method: clinical testing. Allele origin: germline. Observed: 6 variant alleles.
Comment: BS1, BS2, BP4, BP7

Blueprint Genetics
Classification: Likely benign. Last evaluated: 2024-11-27. Review status: criteria provided, single submitter. Criteria: ACMG Guidelines, 2015. Collection method: clinical testing. Allele origin: germline.

Labcorp Genetics (formerly Invitae), Labcorp
Classification: Benign for Congenital muscular dystrophy-dystroglycanopathy with mental retardation, type B1; Walker-Warburg congenital muscular dystrophy; Limb-girdle muscular dystrophy-dystroglycanopathy, type C1. Last evaluated: 2019-12-31. Review status: criteria provided, single submitter. Criteria: Invitae Variant Classification Sherloc (09022015). Collection method: clinical testing. Allele origin: germline.

Athena Diagnostics
Classification: Benign. Last evaluated: 2018-03-16. Review status: criteria provided, single submitter. Criteria: Athena Diagnostics Criteria. Collection method: clinical testing. Allele origin: germline.

Illumina Laboratory Services, Illumina
Classification: Likely benign for Autosomal recessive limb-girdle muscular dystrophy type 2K. Last evaluated: 2018-01-12. Review status: criteria provided, single submitter. Criteria: ICSL Variant Classification Criteria 13 December 2019. Collection method: clinical testing. Allele origin: germline.
Comment: This variant was observed in the ICSL laboratory as part of a predisposition screen in an ostensibly healthy population. It had not been previously curated by ICSL or reported in the Human Gene Mutation Database (HGMD: prior to June 1st, 2018), and was therefore a candidate for classification through an automated scoring system. Utilizing variant allele frequency, disease prevalence and penetrance estimates, and inheritance mode, an automated score was calculated to assess if this variant is too frequent to cause the disease. Based on the score and internal cut-off values, a variant classified as likely benign is not then subjected to further curation. The score for this variant resulted in a classification of likely benign for this disease.

GeneDx
Classification: Benign. Last evaluated: 2016-03-15. Review status: criteria provided, single submitter. Criteria: GeneDx Variant Classification (06012015). Collection method: clinical testing. Allele origin: germline. Affected: yes.
Comment: This variant is considered likely benign or benign based on one or more of the following criteria: it is a conservative change, it occurs at a poorly conserved position in the protein, it is predicted to be benign by multiple in silico algorithms, and/or has population frequency not consistent with disease.

Laboratory for Molecular Medicine, Mass General Brigham Personalized Medicine
Classification: Benign. Last evaluated: 2015-01-13. Review status: criteria provided, single submitter. Criteria: LMM Criteria. Collection method: clinical testing. Allele origin: germline. Observed: 1 variant allele.
Comment: c.1892-7C>A in intron 18 of POMT1: This variant is not expected to have clinical significance because it has been identified in 1.4% (124/8600) of European Amer ican chromosomes from a broad population by the NHLBI Exome Sequencing Project (dbSNP rs148180760).

Genetic Services Laboratory, University of Chicago
Classification: Benign for AllHighlyPenetrant. Last evaluated: 2013-09-30. Review status: criteria provided, single submitter. Criteria: ACMG Guidelines, 2007. Collection method: clinical testing. Allele origin: germline. Inheritance: Autosomal recessive inheritance.

Breakthrough Genomics
Classification: Likely benign. Review status: criteria provided, single submitter. Criteria: ACMG Guidelines, 2015. Collection method: not provided. Allele origin: germline. Inheritance: Autosomal recessive inheritance. Affected: yes.

PreventionGenetics, part of Exact Sciences
Classification: Benign. Review status: criteria provided, single submitter. Criteria: ACMG Guidelines, 2015. Collection method: clinical testing. Allele origin: germline.

Dr. Peter K. Rogan Lab, Western University
No classification provided (evidence only). Condition: Lung cancer. Review status: no classification provided. Collection method: in vitro. Allele origin: not applicable. Functional consequence: retained intron. Not counted in ClinVar's aggregate classification.

Dr. Peter K. Rogan Lab, Western University
No classification provided (evidence only). Condition: Lung cancer. Review status: no classification provided. Collection method: in vitro. Allele origin: not applicable. Functional consequence: retained intron. Not counted in ClinVar's aggregate classification.

Dr. Peter K. Rogan Lab, Western University
No classification provided (evidence only). Condition: Lung cancer. Review status: no classification provided. Collection method: in vitro. Allele origin: not applicable. Functional consequence: retained intron. Not counted in ClinVar's aggregate classification.

Dr. Peter K. Rogan Lab, Western University
No classification provided (evidence only). Condition: Lung cancer. Review status: no classification provided. Collection method: in vitro. Allele origin: not applicable. Functional consequence: skipped exon, retained intron. Not counted in ClinVar's aggregate classification.

Dr. Peter K. Rogan Lab, Western University
No classification provided (evidence only). Condition: Lung cancer. Review status: no classification provided. Collection method: in vitro. Allele origin: not applicable. Functional consequence: retained intron. Not counted in ClinVar's aggregate classification.

Dr. Peter K. Rogan Lab, Western University
No classification provided (evidence only). Condition: Lung cancer. Review status: no classification provided. Collection method: in vitro. Allele origin: not applicable. Functional consequence: skipped exon, retained intron. Not counted in ClinVar's aggregate classification.

Dr. Peter K. Rogan Lab, Western University
No classification provided (evidence only). Condition: Familial cancer of breast. Review status: no classification provided. Collection method: in vitro. Allele origin: not applicable. Functional consequence: retained intron. Not counted in ClinVar's aggregate classification.

Dr. Peter K. Rogan Lab, Western University
No classification provided (evidence only). Condition: Familial cancer of breast. Review status: no classification provided. Collection method: in vitro. Allele origin: not applicable. Functional consequence: retained intron. Not counted in ClinVar's aggregate classification.

Dr. Peter K. Rogan Lab, Western University
No classification provided (evidence only). Condition: Familial cancer of breast. Review status: no classification provided. Collection method: in vitro. Allele origin: not applicable. Functional consequence: retained intron. Not counted in ClinVar's aggregate classification.

Dr. Peter K. Rogan Lab, Western University
No classification provided (evidence only). Condition: Familial cancer of breast. Review status: no classification provided. Collection method: in vitro. Allele origin: not applicable. Functional consequence: skipped exon. Not counted in ClinVar's aggregate classification.

Dr. Peter K. Rogan Lab, Western University
No classification provided (evidence only). Condition: Familial cancer of breast. Review status: no classification provided. Collection method: in vitro. Allele origin: not applicable. Functional consequence: retained intron. Not counted in ClinVar's aggregate classification.

Dr. Peter K. Rogan Lab, Western University
No classification provided (evidence only). Condition: Acute myeloid leukemia. Review status: no classification provided. Collection method: in vitro. Allele origin: not applicable. Functional consequence: retained intron. Not counted in ClinVar's aggregate classification.

Dr. Peter K. Rogan Lab, Western University
No classification provided (evidence only). Condition: Acute myeloid leukemia. Review status: no classification provided. Collection method: in vitro. Allele origin: not applicable. Functional consequence: retained intron. Not counted in ClinVar's aggregate classification.

Dr. Peter K. Rogan Lab, Western University
No classification provided (evidence only). Condition: Acute myeloid leukemia. Review status: no classification provided. Collection method: in vitro. Allele origin: not applicable. Functional consequence: retained intron. Not counted in ClinVar's aggregate classification.

Dr. Peter K. Rogan Lab, Western University
No classification provided (evidence only). Condition: Acute myeloid leukemia. Review status: no classification provided. Collection method: in vitro. Allele origin: not applicable. Functional consequence: retained intron. Not counted in ClinVar's aggregate classification.

NM_001077365.2(POMT1):c.1826-7C>A

Gene: POMT1 (protein O-mannosyltransferase 1; plus strand). Cytogenetic location: 9q34.13.
Variant type: single nucleotide variant.
Coding change: c.1826-7C>A on transcript NM_001077365.2 (MANE Select); 7 bases into the intron before coding-DNA position 1826, C replaced by A.
Molecular consequence: intron variant.
Genome position (GRCh38, 1-based): chr9:131,522,040, C>A. VCF-style: chr9-131522040-C-A. GRCh37 (hg19) VCF-style: chr9-134397427-C-A.
Other names: p.?; c.1730-7C>A (NM_001353198.2, NM_001353197.2); c.1892-7C>A (NM_001353193.2, NM_007171.4); c.1826-7C>A (NM_001136113.2); c.1664-7C>A (NM_001353194.2, NM_001077366.2); c.1475-7C>A (NM_001374691.1, NM_001353195.2, NM_001374692.1 and 2 more transcripts); c.1607-7C>A (NM_001374690.1); c.1736-7C>A (NM_001353196.2); and 4 more.
Identifiers: ClinVar variation 130010 (VCV000130010.55), dbSNP rs148180760, ClinGen allele CA154752.
Genomic context (GRCh38, chr9:131,522,040, plus strand): 5'-CAAAAGAGAGAGAAGACCCGGCCTGTGGGAGCAGCAGAGTCGGTGTAGCTCGAGCCCTTT[C>A]CTATAGATGCCTGGCTGCGCTGGGTGCTGGCTGGGGCGCTGTGTGCCGGTGGCTGGGCAG-3'